The following is an entry in ClinVar:

NM_005612.5(REST):c.612C>T (p.Ser204=)

Gene: REST (RE1 silencing transcription factor; plus strand). Cytogenetic location: 4q12.
Variant type: single nucleotide variant.
Coding change: c.612C>T on transcript NM_005612.5 (MANE Select); coding-DNA position 612, C replaced by T.
Protein change: p.Ser204=; no amino-acid change (serine 204 retained).
Molecular consequence: synonymous variant.
Genome position (GRCh38, 1-based): chr4:56,911,250, C>T. VCF-style: chr4-56911250-C-T. GRCh37 (hg19) VCF-style: chr4-57777416-C-T.
Other names: p.Ser204=; c.612C>T, p.Ser204= (NM_001193508.2, NM_001363453.3).
Identifiers: ClinVar variation 1167952 (VCV001167952.10), dbSNP rs554780609, ClinGen allele CA2932130.
Genomic context (GRCh38, chr4:56,911,250, plus strand): 5'-GAAATTTTTTGTGGAAGAGAGTGCAGAGAAGCAGGCAAAAGCCAGGGAATCTGGCTCTTC[C>T]ACTGCAGAAGAGGGAGATTTCTCCAAGGGCCCCATTCGCTGTGACCGCTGCGGCTACAAT-3'
Protein context (NP_005603.3, residues 194-214): KQAKARESGS[Ser204=]TAEEGDFSKG

ClinVar aggregate classification (germline): Benign/Likely benign. Review status: criteria provided, multiple submitters, no conflicts (2 of 4 stars). 2 submissions from 2 submitters: Benign (1); Likely benign (1). Last evaluated 2025-12-11.

Allele frequency attached by ClinVar (database versions not stated): gnomAD 0.00003; gnomAD exomes 0.00007 and 0.00013; ExAC 0.00015; 1000 Genomes Project 0.00020; 1000 Genomes Project 30x 0.00031.
gnomAD v4.1: 105 of 1,614,136 alleles (0.0065%); highest among the groups gnomAD compares: South Asian, 0.11%; 2 homozygotes.

Submissions (2):

Mayo Clinic Laboratories, Mayo Clinic
Classification: Likely benign. Last evaluated: 2025-12-11. Review status: criteria provided, single submitter. Criteria: ACMG Guidelines, 2015. Collection method: clinical testing. Allele origin: germline. Observed: 1 variant allele.
Comment: BS1, BP4, BP7

Labcorp Genetics (formerly Invitae), Labcorp
Classification: Benign. Last evaluated: 2023-07-14. Review status: criteria provided, single submitter. Criteria: Invitae Variant Classification Sherloc (09022015). Collection method: clinical testing. Allele origin: germline.